The following is an entry in ClinVar:

NM_014334.4(FRRS1L):c.622C>T (p.Arg208Cys)

Gene: FRRS1L (ferric chelate reductase 1 like; minus strand). Cytogenetic location: 9q31.3.
Variant type: single nucleotide variant.
Coding change: c.622C>T on transcript NM_014334.4 (MANE Select); coding-DNA position 622, C replaced by T.
Protein change: p.Arg208Cys; replaces arginine 208 with cysteine.
Molecular consequence: missense variant.
Genome position (GRCh38, 1-based): chr9:109,141,430, G>A on the plus strand (C>T on the coding strand, the complement: FRRS1L is on the minus strand). VCF-style: chr9-109141430-G-A. GRCh37 (hg19) VCF-style: chr9-111903710-G-A.
Other names: c.775C>T (NM_014334.3); short protein forms R208C.
Identifiers: ClinVar variation 935338 (VCV000935338.9), dbSNP rs955397173, ClinGen allele CA197563134.

ClinVar aggregate classification (germline): Conflicting classifications of pathogenicity. Review status: criteria provided, conflicting classifications (1 of 4 stars). 2 submissions from 2 submitters: Likely pathogenic (1); Uncertain significance (1). Last evaluated 2024-02-23.

Conditions:
Developmental and epileptic encephalopathy, 37 (DEE37). Also called: Epileptic encephalopathy, early infantile, 37. Identifiers: MedGen C4310770, MONDO:0014859, OMIM 616981.

Allele frequency attached by ClinVar (database versions not stated): gnomAD exomes 0.00001; TOPMed 0.00001; gnomAD 0.00002.
gnomAD v4.1: 10 of 1,613,926 alleles (0.00062%); highest among the groups gnomAD compares: Admixed American, 0.005%; no homozygotes.

Submissions (2):

Labcorp Genetics (formerly Invitae), Labcorp
Classification: Uncertain significance for Developmental and epileptic encephalopathy, 37. Last evaluated: 2024-02-23. Review status: criteria provided, single submitter. Criteria: Invitae Variant Classification Sherloc (09022015). Collection method: clinical testing. Allele origin: germline.
Comment: This sequence change replaces arginine, which is basic and polar, with cysteine, which is neutral and slightly polar, at codon 259 of the FRRS1L protein (p.Arg259Cys). This variant is present in population databases (no rsID available, gnomAD 0.006%). This variant has not been reported in the literature in individuals affected with FRRS1L-related conditions. ClinVar contains an entry for this variant (Variation ID: 935338). An algorithm developed to predict the effect of missense changes on protein structure and function (PolyPhen-2) suggests that this variant is likely to be disruptive. In summary, the available evidence is currently insufficient to determine the role of this variant in disease. Therefore, it has been classified as a Variant of Uncertain Significance.

Center for Personalized Medicine, Children's Hospital Los Angeles
Classification: Likely pathogenic. Last evaluated: 2022-12-21. Review status: criteria provided, single submitter. Criteria: ACMG Guidelines, 2015. Collection method: clinical testing. Allele origin: inherited. Affected: yes.